The following is an entry in ClinVar:

NM_001458.5(FLNC):c.1757T>C (p.Val586Ala)

Gene: FLNC (filamin C; plus strand). Cytogenetic location: 7q32.1.
Variant type: single nucleotide variant.
Coding change: c.1757T>C on transcript NM_001458.5 (MANE Select); coding-DNA position 1757, T replaced by C.
Protein change: p.Val586Ala; replaces valine 586 with alanine.
Molecular consequence: missense variant.
Genome position (GRCh38, 1-based): chr7:128,840,914, T>C. VCF-style: chr7-128840914-T-C. GRCh37 (hg19) VCF-style: chr7-128480968-T-C.
Other names: c.1757T>C, p.Val586Ala (NM_001127487.2); short protein forms V586A.
Identifiers: ClinVar variation 471987 (VCV000471987.19), dbSNP rs374132023, ClinGen allele CA4474467.

ClinVar aggregate classification (germline): Conflicting classifications of pathogenicity. Review status: criteria provided, conflicting classifications (1 of 4 stars). 7 submissions from 7 submitters: Uncertain significance (5); Likely benign (2). Last evaluated 2026-06-01.

Conditions:
FLNC-related disorder. Also called: FLNC-related condition; FLNC-related disorders.
Cardiovascular phenotype. Identifiers: MedGen CN230736.
Hypertrophic cardiomyopathy 26. Also called: Cardiomyopathy, familial hypertrophic, 26. Identifiers: Orphanet 75249, MedGen C4310749, MONDO:0014883, OMIM 617047.
Myofibrillar myopathy 5. Also called: Filaminopathy (type); FILAMINOPATHY, AUTOSOMAL DOMINANT. Identifiers: Orphanet 171445, MedGen C1836050, MONDO:0012289, OMIM 609524.
Distal myopathy with posterior leg and anterior hand involvement. Also called: WILLIAMS DISTAL MYOPATHY. Identifiers: Orphanet 63273, MedGen C3279722, MONDO:0013550, OMIM 614065.

Allele frequency attached by ClinVar (database versions not stated): ExAC 0.00002; gnomAD exomes 0.00002 and 0.00003; ESP Exome Variant Server 0.00016; gnomAD 0.00022 and 0.00025; TOPMed 0.00022.
gnomAD v4.1: 64 of 1,610,582 alleles (0.004%); highest among the groups gnomAD compares: African/African-American, 0.074%; no homozygotes.

Submissions (7):

CeGaT Center for Human Genetics Tuebingen
Classification: Uncertain significance. Last evaluated: 2026-06-01. Review status: criteria provided, single submitter. Criteria: CeGaT Center For Human Genetics Tuebingen Variant Classification Criteria Version 2. Collection method: clinical testing. Allele origin: germline. Affected: yes. Observed: 1 variant allele.

Labcorp Genetics (formerly Invitae), Labcorp
Classification: Likely benign for Distal myopathy with posterior leg and anterior hand involvement; Myofibrillar myopathy 5; Hypertrophic cardiomyopathy 26. Last evaluated: 2025-12-29. Review status: criteria provided, single submitter. Criteria: Invitae Variant Classification Sherloc (09022015). Collection method: clinical testing. Allele origin: germline.

PreventionGenetics, part of Exact Sciences
Classification: Likely benign for FLNC-related condition. Last evaluated: 2025-07-15. Review status: criteria provided, single submitter. Criteria: ACMG Guidelines, 2015. Collection method: clinical testing. Allele origin: germline.
Comment: This variant is classified as likely benign based on ACMG/AMP sequence variant interpretation guidelines (Richards et al. 2015 PMID: 25741868, with internal and published modifications).

Women's Health and Genetics/Laboratory Corporation of America, LabCorp
Classification: Uncertain significance. Last evaluated: 2024-12-24. Review status: criteria provided, single submitter. Criteria: LabCorp Variant Classification Summary - May 2015. Collection method: clinical testing. Allele origin: germline.
Comment: Variant summary: FLNC c.1757T>C (p.Val586Ala) results in a non-conservative amino acid change in the encoded protein sequence. Four of five in-silico tools predict a damaging effect of the variant on protein function. The variant allele was found at a frequency of 3.3e-05 in 241768 control chromosomes. The available data on variant occurrences in the general population are insufficient to allow any conclusion about variant significance. c.1757T>C has been reported in the literature in individual(s) affected with Dilated Cardiomyopathy (Begay_2018). These report(s) do not provide unequivocal conclusions about association of the variant with Dilated Cardiomyopathy. To our knowledge, no experimental evidence demonstrating an impact on protein function has been reported. The following publication have been ascertained in the context of this evaluation (PMID: 30067491). ClinVar contains an entry for this variant (Variation ID: 471987). Based on the evidence outlined above, the variant was classified as uncertain significance.

Ambry Genetics
Classification: Uncertain significance for Cardiovascular phenotype. Last evaluated: 2023-12-07. Review status: criteria provided, single submitter. Criteria: Ambry Variant Classification Scheme 2023. Collection method: clinical testing. Allele origin: germline.
Comment: The p.V586A variant (also known as c.1757T>C), located in coding exon 11 of the FLNC gene, results from a T to C substitution at nucleotide position 1757. The valine at codon 586 is replaced by alanine, an amino acid with similar properties. This alteration has been reported in a dilated cardiomyopathy (DCM) cohort (Begay RL et al. JACC Clin Electrophysiol, 2018 Apr;4:504-514). This amino acid position is highly conserved in available vertebrate species. In addition, the in silico prediction for this alteration is inconclusive. Since supporting evidence is limited at this time, the clinical significance of this alteration remains unclear.

Fulgent Genetics
Classification: Uncertain significance for Myofibrillar myopathy 5; Distal myopathy with posterior leg and anterior hand involvement; Hypertrophic cardiomyopathy 26. Last evaluated: 2021-09-29. Review status: criteria provided, single submitter. Criteria: ACMG Guidelines, 2015. Collection method: clinical testing. Allele origin: unknown.

GeneDx
Classification: Uncertain significance. Last evaluated: 2021-09-09. Review status: criteria provided, single submitter. Criteria: GeneDx Variant Classification Process June 2021. Collection method: clinical testing. Allele origin: germline. Affected: yes.
Comment: Has not been previously published as pathogenic or benign to our knowledge; Reported in ClinVar as a variant of uncertain significance (ClinVar Variant ID# 471987; Landrum et al., 2016); In silico analysis supports that this missense variant has a deleterious effect on protein structure/function

Literature cited by the submitters: PubMed 30067491 (cited by Women's Health and Genetics/Laboratory Corporation of America, LabCorp and Ambry Genetics).